The following is an entry in ClinVar:

NM_006922.4(SCN3A):c.3933T>C (p.Pro1311=)

Gene: SCN3A (sodium voltage-gated channel alpha subunit 3; minus strand). Cytogenetic location: 2q24.3.
Variant type: single nucleotide variant.
Coding change: c.3933T>C on transcript NM_006922.4 (MANE Select); coding-DNA position 3933, T replaced by C.
Protein change: p.Pro1311=; no amino-acid change (proline 1311 retained).
Molecular consequence: synonymous variant.
Genome position (GRCh38, 1-based): chr2:165,100,335, A>G on the plus strand (T>C on the coding strand, the complement: SCN3A is on the minus strand). VCF-style: chr2-165100335-A-G. GRCh37 (hg19) VCF-style: chr2-165956845-A-G.
Other names: c.3786T>C, p.Pro1262= (NM_001081676.2, NM_001081677.2).
Identifiers: ClinVar variation 195684 (VCV000195684.49), dbSNP rs138766015, ClinGen allele CA242207.

ClinVar aggregate classification (germline): Conflicting classifications of pathogenicity. Review status: criteria provided, conflicting classifications (1 of 4 stars). 6 submissions from 6 submitters: Uncertain significance (1); Likely benign (4). 1 of the submissions does not count toward it. Last evaluated 2026-08-01.

Conditions:
SCN3A-related disorder. Also called: SCN3A-related condition.

Allele frequency attached by ClinVar (database versions not stated): ExAC 0.00014; 1000 Genomes Project 30x 0.00016; gnomAD exomes 0.00017; 1000 Genomes Project 0.00020; gnomAD 0.00020 and 0.00021; ESP Exome Variant Server 0.00023; TOPMed 0.00025.
gnomAD v4.1: 369 of 1,613,920 alleles (0.023%); highest among the groups gnomAD compares: Admixed American, 0.053%; no homozygotes.

Submissions (6):

CeGaT Center for Human Genetics Tuebingen
Classification: Likely benign. Last evaluated: 2026-08-01. Review status: criteria provided, single submitter. Criteria: CeGaT Center For Human Genetics Tuebingen Variant Classification Criteria Version 2. Collection method: clinical testing. Allele origin: germline. Affected: yes. Observed: 4 variant alleles.
Comment: SCN3A: BP4, BP7

Labcorp Genetics (formerly Invitae), Labcorp
Classification: Likely benign. Last evaluated: 2026-01-12. Review status: criteria provided, single submitter. Criteria: Invitae Variant Classification Sherloc (09022015). Collection method: clinical testing. Allele origin: germline.

Blueprint Genetics
Classification: Likely benign. Last evaluated: 2023-10-24. Review status: criteria provided, single submitter. Criteria: ACMG Guidelines, 2015. Collection method: clinical testing. Allele origin: germline.

Athena Diagnostics
Classification: Likely benign. Last evaluated: 2018-08-31. Review status: criteria provided, single submitter. Criteria: Athena Diagnostics Criteria. Collection method: clinical testing. Allele origin: germline.

Eurofins Ntd Llc (ga)
Classification: Uncertain significance. Last evaluated: 2017-07-26. Review status: criteria provided, single submitter. Criteria: EGL Classification Definitions 2015. Collection method: clinical testing. Allele origin: germline. Observed: 2 variant alleles, 2 heterozygotes.

PreventionGenetics, part of Exact Sciences
Classification: Likely benign for SCN3A-related condition. Last evaluated: 2021-10-28. Review status: no assertion criteria provided. Collection method: clinical testing. Allele origin: germline. Not counted in ClinVar's aggregate classification.
Comment: This variant is classified as likely benign based on ACMG/AMP sequence variant interpretation guidelines (Richards et al. 2015 PMID: 25741868, with internal and published modifications).